The following is an entry in ClinVar:

ClinVar aggregate classification (germline): Uncertain significance (1 of 4 stars; one submission).

Conditions:
Inborn genetic diseases. Identifiers: MedGen C0950123, MeSH D030342.

gnomAD v4.1: 10 of 1,614,188 alleles (0.00062%); highest among the groups gnomAD compares: East Asian, 0.0022%; no homozygotes.

Submission:

Ambry Genetics
Classification: Uncertain significance for Inborn genetic diseases. Last evaluated: 2025-06-19. Review status: criteria provided, single submitter. Criteria: Ambry Variant Classification Scheme 2023. Collection method: clinical testing. Allele origin: germline.
Comment: The p.A395S variant (also known as c.1183G>T), located in coding exon 13 of the FANCA gene, results from a G to T substitution at nucleotide position 1183. The alanine at codon 395 is replaced by serine, an amino acid with similar properties. This amino acid position is conserved. In addition, this alteration is predicted to be tolerated by in silico analysis. Based on the available evidence, the clinical significance of this variant remains unclear.

NM_000135.4(FANCA):c.1183G>T (p.Ala395Ser)

Gene: FANCA (FA complementation group A; minus strand). Cytogenetic location: 16q24.3.
Variant type: single nucleotide variant.
Coding change: c.1183G>T on transcript NM_000135.4 (MANE Select); coding-DNA position 1183, G replaced by T.
Protein change: p.Ala395Ser; replaces alanine 395 with serine.
Molecular consequence: missense variant.
Genome position (GRCh38, 1-based): chr16:89,791,969, C>A on the plus strand (G>T on the coding strand, the complement: FANCA is on the minus strand). VCF-style: chr16-89791969-C-A. GRCh37 (hg19) VCF-style: chr16-89858377-C-A.
Other names: c.1183G>T, p.Ala395Ser (NM_001286167.3); short protein forms A395S.
Identifiers: ClinVar variation 4254133 (VCV004254133.1).